The following is an entry in ClinVar:

ClinVar aggregate classification (germline): Uncertain significance. Review status: criteria provided, multiple submitters, no conflicts (2 of 4 stars). 3 submissions from 3 submitters: Uncertain significance (3). Last evaluated 2024-10-19.

Conditions:
Cardiovascular phenotype. Identifiers: MedGen CN230736.
Long QT syndrome (LQTS). Identifiers: MedGen C0023976, MeSH D008133, MONDO:0002442. Disease mechanism: loss of function. Inheritance: Various modes of inheritance.

Allele frequency attached by ClinVar (database versions not stated): gnomAD exomes 0.00001 and 0.00003; ExAC 0.00002.
gnomAD v4.1: 17 of 1,614,016 alleles (0.0011%); highest among the groups gnomAD compares: Non-Finnish European, 0.0014%; no homozygotes.

Submissions (3):

Ambry Genetics
Classification: Uncertain significance for Cardiovascular phenotype. Last evaluated: 2024-10-19. Review status: criteria provided, single submitter. Criteria: Ambry Variant Classification Scheme 2023. Collection method: clinical testing. Allele origin: germline.
Comment: The p.P1859T variant (also known as c.5575C>A), located in coding exon 38 of the ANK2 gene, results from a C to A substitution at nucleotide position 5575. The proline at codon 1859 is replaced by threonine, an amino acid with highly similar properties. This amino acid position is conserved. In addition, this alteration is predicted to be tolerated by in silico analysis. Since supporting evidence is limited at this time, the clinical significance of this alteration remains unclear.

Labcorp Genetics (formerly Invitae), Labcorp
Classification: Uncertain significance for Long QT syndrome. Last evaluated: 2024-05-06. Review status: criteria provided, single submitter. Criteria: Invitae Variant Classification Sherloc (09022015). Collection method: clinical testing. Allele origin: germline.
Comment: This sequence change replaces proline, which is neutral and non-polar, with threonine, which is neutral and polar, at codon 1859 of the ANK2 protein (p.Pro1859Thr). This variant is present in population databases (rs781312863, gnomAD 0.006%). This variant has not been reported in the literature in individuals affected with ANK2-related conditions. ClinVar contains an entry for this variant (Variation ID: 1045442). An algorithm developed to predict the effect of missense changes on protein structure and function (PolyPhen-2) suggests that this variant is likely to be disruptive. In summary, the available evidence is currently insufficient to determine the role of this variant in disease. Therefore, it has been classified as a Variant of Uncertain Significance.

GeneDx
Classification: Uncertain significance. Last evaluated: 2018-04-19. Review status: criteria provided, single submitter. Criteria: GeneDx Variant Classification Process June 2021. Collection method: clinical testing. Allele origin: germline. Affected: yes.

NM_001148.6(ANK2):c.5575C>A (p.Pro1859Thr)

Genes: ANK2 (ankyrin 2; plus strand), LOC126807136 (MED14-independent group 3 enhancer GRCh37_chr4:114274931-114276130; plus strand). Cytogenetic location: 4q26.
Variant type: single nucleotide variant.
Coding change: c.5575C>A on transcript NM_001148.6 (MANE Select); coding-DNA position 5575, C replaced by A.
Protein change: p.Pro1859Thr; replaces proline 1859 with threonine.
Molecular consequence: missense variant. On other transcripts: intron variant (68).
Genome position (GRCh38, 1-based): chr4:113,354,193, C>A. VCF-style: chr4-113354193-C-A. GRCh37 (hg19) VCF-style: chr4-114275349-C-A.
Other names: c.5341C>A, p.Pro1781Thr (NM_001386142.1); c.1975C>A, p.Pro659Thr (NM_001386166.1); c.5716C>A, p.Pro1906Thr (NM_001386174.1); c.5692C>A, p.Pro1898Thr (NM_001386175.1); c.4411+3944C>A (NM_001386186.2, NM_001386148.2); c.4213+3944C>A (NM_001354269.3); c.4291+3944C>A (NM_001386187.2); c.4252+3944C>A (NM_001386147.1); and 35 more; short protein forms P1781T, P659T, P1898T, P1859T, P1906T.
Identifiers: ClinVar variation 1045442 (VCV001045442.10), dbSNP rs781312863, ClinGen allele CA3051256.
Genomic context (GRCh38, chr4:113,354,193, plus strand): 5'-ACTGAAAGGCACCCTCCAGTATCACCATCAAGTAAAACTGAGAAACACTCACCTGTGTCA[C>A]CCTCTGCAAAAACGGAAAGACATTCACCTGCGTCATCATCGAGTAAAACTGAGAAACACT-3'
Protein context (NP_001139.3, residues 1849-1869): SKTEKHSPVS[Pro1859Thr]SAKTERHSPA